The following is an entry in ClinVar:

NM_001303256.3(MORC2):c.1041T>C (p.Asp347=)

Gene: MORC2 (MORC family CW-type zinc finger 2; minus strand). Cytogenetic location: 22q12.2.
Variant type: single nucleotide variant.
Coding change: c.1041T>C on transcript NM_001303256.3 (MANE Select); coding-DNA position 1041, T replaced by C.
Protein change: p.Asp347=; no amino-acid change (aspartic acid 347 retained).
Molecular consequence: synonymous variant.
Genome position (GRCh38, 1-based): chr22:30,939,653, A>G on the plus strand (T>C on the coding strand, the complement: MORC2 is on the minus strand). VCF-style: chr22-30939653-A-G. GRCh37 (hg19) VCF-style: chr22-31335640-A-G.
Other names: c.1041T>C, p.Asp347= (NM_001303257.2); c.855T>C, p.Asp285= (NM_014941.3).
Identifiers: ClinVar variation 1140264 (VCV001140264.17), dbSNP rs764097903, ClinGen allele CA10187048.

ClinVar aggregate classification (germline): Likely benign. Review status: criteria provided, multiple submitters, no conflicts (2 of 4 stars). 2 submissions from 2 submitters: Likely benign (2). Last evaluated 2025-06-01.

Conditions:
Charcot-Marie-Tooth disease axonal type 2Z. Also called: CHARCOT-MARIE-TOOTH DISEASE, AXONAL, AUTOSOMAL DOMINANT, TYPE 2Z; CHARCOT-MARIE-TOOTH NEUROPATHY, TYPE 2Z. Identifiers: Orphanet 466768, MedGen C5569025, MONDO:0014736, OMIM 616688.

Allele frequency attached by ClinVar (database versions not stated): gnomAD exomes 0.00001 and 0.00002; ExAC 0.00002; TOPMed 0.00002; gnomAD 0.00003 and 0.00004.
gnomAD v4.1: 17 of 1,614,076 alleles (0.0011%); highest among the groups gnomAD compares: African/African-American, 0.004%; no homozygotes.

Submissions (2):

CeGaT Center for Human Genetics Tuebingen
Classification: Likely benign. Last evaluated: 2025-06-01. Review status: criteria provided, single submitter. Criteria: CeGaT Center For Human Genetics Tuebingen Variant Classification Criteria Version 2. Collection method: clinical testing. Allele origin: germline. Affected: yes. Observed: 1 variant allele.
Comment: MORC2: BP4, BP7

Labcorp Genetics (formerly Invitae), Labcorp
Classification: Likely benign for Charcot-Marie-Tooth disease axonal type 2Z. Last evaluated: 2024-12-24. Review status: criteria provided, single submitter. Criteria: Invitae Variant Classification Sherloc (09022015). Collection method: clinical testing. Allele origin: germline.